The following is an entry in ClinVar:

ClinVar aggregate classification (germline): Uncertain significance. Review status: criteria provided, multiple submitters, no conflicts (2 of 4 stars). 2 submissions from 2 submitters: Uncertain significance (2). Last evaluated 2024-09-18.

Conditions:
Familial focal epilepsy with variable foci (FPEVF). Identifiers: Orphanet 98820, MedGen C1858477, MONDO:0020310.

Allele frequency attached by ClinVar (database versions not stated): gnomAD below 0.00001 and 0.00001; TOPMed below 0.00001; gnomAD exomes 0.00001 and 0.00002; ExAC 0.00002.
gnomAD v4.1: 12 of 1,613,982 alleles (0.00074%); highest among the groups gnomAD compares: Admixed American, 0.005%; no homozygotes.

Submissions (2):

Women's Health and Genetics/Laboratory Corporation of America, LabCorp
Classification: Uncertain significance. Last evaluated: 2024-09-18. Review status: criteria provided, single submitter. Criteria: LabCorp Variant Classification Summary - May 2015. Collection method: clinical testing. Allele origin: germline.
Comment: Variant summary: DEPDC5 c.1814G>A (p.Arg605Gln) results in a conservative amino acid change in the encoded protein sequence. Three of five in-silico tools predict a benign effect of the variant on protein function. The variant allele was found at a frequency of 2e-05 in 249380 control chromosomes (gnomAD). The available data on variant occurrences in the general population are insufficient to allow any conclusion about variant significance. To our knowledge, no occurrence of c.1814G>A in individuals affected with Epilepsy, Familial Focal, With Variable Foci 1 and no experimental evidence demonstrating its impact on protein function have been reported. ClinVar contains an entry for this variant (Variation ID: 407341). Based on the evidence outlined above, the variant was classified as uncertain significance.

Labcorp Genetics (formerly Invitae), Labcorp
Classification: Uncertain significance for Familial focal epilepsy with variable foci. Last evaluated: 2024-05-14. Review status: criteria provided, single submitter. Criteria: Invitae Variant Classification Sherloc (09022015). Collection method: clinical testing. Allele origin: germline.
Comment: This sequence change replaces arginine, which is basic and polar, with glutamine, which is neutral and polar, at codon 605 of the DEPDC5 protein (p.Arg605Gln). This variant is present in population databases (rs760696765, gnomAD 0.01%). This variant has not been reported in the literature in individuals affected with DEPDC5-related conditions. ClinVar contains an entry for this variant (Variation ID: 407341). Experimental studies and prediction algorithms are not available or were not evaluated, and the functional significance of this variant is currently unknown. Algorithms developed to predict the effect of sequence changes on RNA splicing suggest that this variant may create or strengthen a splice site. In summary, the available evidence is currently insufficient to determine the role of this variant in disease. Therefore, it has been classified as a Variant of Uncertain Significance.

NM_001242896.3(DEPDC5):c.1814G>A (p.Arg605Gln)

Gene: DEPDC5 (DEP domain containing 5, GATOR1 subcomplex subunit; plus strand). Cytogenetic location: 22q12.3.
Variant type: single nucleotide variant.
Coding change: c.1814G>A on transcript NM_001242896.3 (MANE Select); coding-DNA position 1814, G replaced by A.
Protein change: p.Arg605Gln; replaces arginine 605 with glutamine.
Molecular consequence: missense variant. On other transcripts: non-coding transcript variant (5).
Genome position (GRCh38, 1-based): chr22:31,819,169, G>A. VCF-style: chr22-31819169-G-A. GRCh37 (hg19) VCF-style: chr22-32215155-G-A.
Other names: c.1814G>A, p.Arg605Gln (NM_001136029.4, NM_001242897.2, NM_001363852.2 and 6 more transcripts); c.1730G>A, p.Arg577Gln (NM_001369901.1, NM_001369902.1); short protein forms R605Q, R577Q.
Identifiers: ClinVar variation 407341 (VCV000407341.11), dbSNP rs760696765, ClinGen allele CA10196468.